The following is an entry in ClinVar:

ClinVar aggregate classification (germline): Likely pathogenic (1 of 4 stars; one submission).

Conditions:
Hereditary factor VIII deficiency disease (HEMA). Also called: HEMOPHILIA, CLASSIC; Hemophilia A, congenital; HEM A; Factor 8 deficiency, congenital; AUTOSOMAL HEMOPHILIA A; Hemophilia A. Identifiers: Orphanet 98878, MedGen C0019069, MONDO:0010602, OMIM 306700.

Submission:

Centre of Medical Genetics, University Hospital Muenster
Classification: Likely pathogenic for Hereditary factor VIII deficiency disease. Last evaluated: 2022-01-27. Review status: criteria provided, single submitter. Criteria: ACMG Guidelines, 2015. Collection method: clinical testing. Allele origin: germline. Affected: yes. Observed: 1 variant allele, 1 heterozygote.
Comment: ACMG categories: PM2,PP2,PP3,PP4,PP5

NM_000132.4(F8):c.1169T>C (p.Ile390Thr)

Gene: F8 (coagulation factor VIII; minus strand). Cytogenetic location: Xq28.
Variant type: single nucleotide variant.
Coding change: c.1169T>C on transcript NM_000132.4 (MANE Select); coding-DNA position 1169, T replaced by C.
Protein change: p.Ile390Thr; replaces isoleucine 390 with threonine.
Molecular consequence: missense variant.
Genome position (GRCh38, 1-based): chrX:154,966,528, A>G on the plus strand (T>C on the coding strand, the complement: F8 is on the minus strand). VCF-style: chrX-154966528-A-G. GRCh37 (hg19) VCF-style: chrX-154194803-A-G.
Other names: short protein forms I390T.
Identifiers: ClinVar variation 1342157 (VCV001342157.3), dbSNP rs2124106062, ClinGen allele CA414916381.